The following is an entry in ClinVar:

NM_001355283.3(RPSA2):c.702C>T (p.Pro234=)

Gene: RPSA2 (ribosomal protein SA 2; plus strand). Cytogenetic location: 19p12.
Variant type: single nucleotide variant.
Coding change: c.702C>T on transcript NM_001355283.3 (MANE Select); coding-DNA position 702, C replaced by T.
Protein change: p.Pro234=; no amino-acid change (proline 234 retained).
Molecular consequence: synonymous variant.
Genome position (GRCh38, 1-based): chr19:23,827,863, C>T. VCF-style: chr19-23827863-C-T. GRCh37 (hg19) VCF-style: chr19-24010665-C-T.
Other names: c.702C>T, p.Pro234= (NM_001355287.3, NM_001387845.1, NM_001387846.1).
Identifiers: ClinVar variation 2649665 (VCV002649665.23), dbSNP rs201171553, ClinGen allele CA9349416.

ClinVar aggregate classification (germline): Likely benign (1 of 4 stars; one submission).

Allele frequency attached by ClinVar (database versions not stated): ExAC 0.00041; gnomAD exomes 0.00073; 1000 Genomes Project 0.00080; gnomAD 0.00093; 1000 Genomes Project 30x 0.00094.
gnomAD v4.1: 865 of 1,151,346 alleles (0.075%); highest among the groups gnomAD compares: Middle Eastern, 0.27%; no homozygotes.

Submission:

CeGaT Center for Human Genetics Tuebingen
Classification: Likely benign. Last evaluated: 2022-07-01. Review status: criteria provided, single submitter. Criteria: CeGaT Center For Human Genetics Tuebingen Variant Classification Criteria Version 2. Collection method: clinical testing. Allele origin: germline. Affected: yes. Observed: 1 variant allele.
Comment: RPSA2: BP4, BP7